The following is an entry in ClinVar:

ClinVar aggregate classification (germline): Uncertain significance (1 of 4 stars; one submission).

Submission:

Labcorp Genetics (formerly Invitae), Labcorp
Classification: Uncertain significance. Last evaluated: 2022-10-27. Review status: criteria provided, single submitter. Criteria: Invitae Variant Classification Sherloc (09022015). Collection method: clinical testing. Allele origin: germline.
Comment: This variant is not present in population databases (gnomAD no frequency). In summary, the available evidence is currently insufficient to determine the role of this variant in disease. Therefore, it has been classified as a Variant of Uncertain Significance. Advanced modeling of protein sequence and biophysical properties (such as structural, functional, and spatial information, amino acid conservation, physicochemical variation, residue mobility, and thermodynamic stability) performed at Invitae indicates that this missense variant is not expected to disrupt TUBB2A protein function. This variant has not been reported in the literature in individuals affected with TUBB2A-related conditions. This sequence change replaces alanine, which is neutral and non-polar, with valine, which is neutral and non-polar, at codon 430 of the TUBB2A protein (p.Ala430Val).

NM_001069.3(TUBB2A):c.1289C>T (p.Ala430Val)

Gene: TUBB2A (tubulin beta 2A class IIa; minus strand). Cytogenetic location: 6p25.2.
Variant type: single nucleotide variant.
Coding change: c.1289C>T on transcript NM_001069.3 (MANE Select); coding-DNA position 1289, C replaced by T.
Protein change: p.Ala430Val; replaces alanine 430 with valine.
Molecular consequence: missense variant.
Genome position (GRCh38, 1-based): chr6:3,153,912, G>A on the plus strand (C>T on the coding strand, the complement: TUBB2A is on the minus strand). VCF-style: chr6-3153912-G-A. GRCh37 (hg19) VCF-style: chr6-3154146-G-A.
Other names: c.1034C>T, p.Ala345Val (NM_001310315.2); short protein forms A430V, A345V.
Identifiers: ClinVar variation 2810141 (VCV002810141.3), dbSNP rs2533523397, ClinGen allele CA362590781.
Genomic context (GRCh38, chr6:3,153,912, plus strand): 5'-CTGAGAAGTTTTTAAGCCTCGTCCTCGCCCTCCTCCTCCTCGAACTCCCCTTGTTCGTCG[G>A]CCGTGGCGTCCTGGTACTGCTGGTACTCGGACACCAGGTCGTTCATGTTGCTCTCGGCCT-3'
Protein context (NP_001060.1, residues 420-440): SEYQQYQDAT[Ala430Val]DEQGEFEEEE